The following is an entry in ClinVar:

ClinVar aggregate classification (germline): Likely pathogenic (1 of 4 stars; one submission).

gnomAD v4.1: 1 of 1,612,904 alleles (0.000062%); highest among the groups gnomAD compares: Non-Finnish European, 0.000085%; no homozygotes.

Submission:

Labcorp Genetics (formerly Invitae), Labcorp
Classification: Likely pathogenic. Last evaluated: 2025-11-03. Review status: criteria provided, single submitter. Criteria: Invitae Variant Classification Sherloc (09022015). Collection method: clinical testing. Allele origin: germline.
Comment: This sequence change affects a donor splice site in intron 12 of the COL11A2 gene. It is expected to disrupt RNA splicing. Variants that disrupt the donor or acceptor splice site typically lead to a loss of protein function (PMID: 16199547), and loss-of-function variants in COL11A2 are known to be pathogenic (PMID: 10677296, 21204229). This variant is not present in population databases (gnomAD no frequency). This variant has not been reported in the literature in individuals affected with COL11A2-related conditions. Algorithms developed to predict the effect of sequence changes on RNA splicing suggest that this variant may disrupt the consensus splice site. In summary, the currently available evidence indicates that the variant is pathogenic, but additional data are needed to prove that conclusively. Therefore, this variant has been classified as Likely Pathogenic.

Literature cited by the submitters: PubMed 16199547; PubMed 10677296; PubMed 21204229.

NM_080680.3(COL11A2):c.1359+1G>T

Gene: COL11A2 (collagen type XI alpha 2 chain; minus strand). Cytogenetic location: 6p21.32.
Variant type: single nucleotide variant.
Coding change: c.1359+1G>T on transcript NM_080680.3 (MANE Select); the canonical splice donor site of the intron after coding-DNA position 1359, G replaced by T.
Molecular consequence: splice donor variant.
Genome position (GRCh38, 1-based): chr6:33,180,257, C>A on the plus strand (G>T on the coding strand, the complement: COL11A2 is on the minus strand). VCF-style: chr6-33180257-C-A. GRCh37 (hg19) VCF-style: chr6-33148034-C-A.
Other names: c.333+1G>T (NM_001424111.1, NM_001424110.1); c.1038+1G>T (NM_080679.3); c.1101+1G>T (NM_080681.3); c.1179+1G>T (NM_001424108.1); c.513+1G>T (NM_001424109.1).
Identifiers: ClinVar variation 4730404 (VCV004730404.1).
Genomic context (GRCh38, chr6:33,180,257, plus strand): 5'-AACATGACACAATTCCTTGTCTTCCCCATCAGCATGTTCCAAAACCCAAGAGACAACTCA[C>A]TGGGAGCATGAGAGATGTGCCAGGAGGACCAGGAGCCCCATCTGATCCAGGGAGCCCTGC-3'